The following is an entry in ClinVar:

ClinVar aggregate classification (germline): Likely benign (0 of 4 stars; one submission).

Conditions:
FAT3-related disorder. Also called: FAT3-related condition.

Allele frequency attached by ClinVar (database versions not stated): gnomAD exomes 0.00007; ExAC 0.00018; gnomAD 0.00056; TOPMed 0.00057; 1000 Genomes Project 0.00060; ESP Exome Variant Server 0.00065; 1000 Genomes Project 30x 0.00078.
gnomAD v4.1: 199 of 1,613,902 alleles (0.012%); highest among the groups gnomAD compares: African/African-American, 0.16%; no homozygotes.

Submission:

PreventionGenetics, part of Exact Sciences
Classification: Likely benign for FAT3-related condition. Last evaluated: 2023-07-30. Review status: no assertion criteria provided. Collection method: clinical testing. Allele origin: germline.
Comment: This variant is classified as likely benign based on ACMG/AMP sequence variant interpretation guidelines (Richards et al. 2015 PMID: 25741868, with internal and published modifications).

NM_001367949.2(FAT3):c.7370G>A (p.Arg2457Gln)

Gene: FAT3 (FAT atypical cadherin 3; plus strand). Cytogenetic location: 11q14.3.
Variant type: single nucleotide variant.
Coding change: c.7370G>A on transcript NM_001367949.2 (MANE Select); coding-DNA position 7370, G replaced by A.
Protein change: p.Arg2457Gln; replaces arginine 2457 with glutamine.
Molecular consequence: missense variant.
Genome position (GRCh38, 1-based): chr11:92,800,383, G>A. VCF-style: chr11-92800383-G-A. GRCh37 (hg19) VCF-style: chr11-92533549-G-A.
Other names: c.7370G>A, p.Arg2457Gln (NM_001008781.3); short protein forms R2457Q.
Identifiers: ClinVar variation 3040606 (VCV003040606.2), dbSNP rs149118545, ClinGen allele CA6227444.
Genomic context (GRCh38, chr11:92,800,383, plus strand): 5'-ATGACCGGACGAGCTTTCTGATGGACAGCAAGAGTGGAGTTATCACATTGTCCAACCATC[G>A]GAAGCAGCGGATGGAGCCTCTGTACAGTCTCAATGTGTCTGTCTCTGATGGGTTGTTCAC-3'
Protein context (NP_001354878.1, residues 2447-2467): KSGVITLSNH[Arg2457Gln]KQRMEPLYSL